The following is an entry in ClinVar:

ClinVar aggregate classification (germline): Likely pathogenic (1 of 4 stars; one submission).

Conditions:
Hereditary cancer-predisposing syndrome. Also called: Neoplastic Syndromes, Hereditary; Tumor predisposition; Hereditary Cancer Syndrome; Hereditary neoplastic syndrome. Identifiers: Orphanet 140162, MedGen C0027672, MeSH D009386, MONDO:0015356.

Submission:

Ambry Genetics
Classification: Likely pathogenic for Hereditary cancer-predisposing syndrome. Last evaluated: 2025-12-11. Review status: criteria provided, single submitter. Criteria: Ambry Variant Classification Scheme 2023. Collection method: clinical testing. Allele origin: germline.
Comment: The c.1176G>T variant (also known as p.R392R), located in coding exon 7 of the FLCN gene, results from a G to T substitution at nucleotide position 1176. This nucleotide substitution does not change the at codon 392. However, this change occurs in the last base pair of coding exon 7, which makes it likely to have some effect on normal mRNA splicing. This nucleotide position is highly conserved in available vertebrate species. In silico splice site analysis predicts that this alteration may weaken the native splice donor site and will result in the creation or strengthening of a novel splice donor site. RNA studies have demonstrated that this alteration results in abnormal splicing in the set of samples tested (Ambry internal data). This variant was reported in individual(s) with features consistent with Birt-Hogg-Dube syndrome (Ambry internal data). This variant is considered to be rare based on population cohorts in the Genome Aggregation Database (gnomAD). Based on the majority of available evidence to date, this variant is likely to be pathogenic.

NM_144997.7(FLCN):c.1176G>T (p.Arg392=)

Gene: FLCN (folliculin; minus strand). Cytogenetic location: 17p11.2.
Variant type: single nucleotide variant.
Coding change: c.1176G>T on transcript NM_144997.7 (MANE Select); coding-DNA position 1176, G replaced by T.
Protein change: p.Arg392=; no amino-acid change (arginine 392 retained).
Molecular consequence: synonymous variant.
Genome position (GRCh38, 1-based): chr17:17,217,069, C>A on the plus strand (G>T on the coding strand, the complement: FLCN is on the minus strand). VCF-style: chr17-17217069-C-A. GRCh37 (hg19) VCF-style: chr17-17120383-C-A.
Other names: c.1230G>T, p.Arg410= (NM_001353229.2); c.1176G>T, p.Arg392= (NM_001353230.2, NM_001353231.2).
Identifiers: ClinVar variation 4643264 (VCV004643264.1).